The following is an entry in ClinVar:

ClinVar aggregate classification (germline): Uncertain significance. Review status: criteria provided, multiple submitters, no conflicts (2 of 4 stars). 3 submissions from 3 submitters: Uncertain significance (2). 1 of the submissions does not count toward it. Last evaluated 2025-12-02.

Conditions:
Inborn genetic diseases. Identifiers: MedGen C0950123, MeSH D030342.
Xeroderma pigmentosum, group F (XPF). Also called: ERCC4-Related Xeroderma Pigmentosum; XERODERMA PIGMENTOSUM, TYPE F; Xeroderma pigmentosum, type 6; XP, GROUP F; XERODERMA PIGMENTOSUM VI; XERODERMA PIGMENTOSUM, COMPLEMENTATION GROUP F. Identifiers: MedGen C0268140, MONDO:0010215, OMIM 278760.
Fanconi anemia complementation group Q. Identifiers: Orphanet 84, MedGen C3808988, MONDO:0014108, OMIM 615272.
Cockayne syndrome. Identifiers: Orphanet 191, MedGen C0009207, MONDO:0016006.

Allele frequency attached by ClinVar (database versions not stated): gnomAD 0.00001; gnomAD exomes 0.00001; TOPMed 0.00001; ExAC 0.00002.

Submissions (3):

Ambry Genetics
Classification: Uncertain significance for Inborn genetic diseases. Last evaluated: 2025-12-02. Review status: criteria provided, single submitter. Criteria: Ambry Variant Classification Scheme 2023. Collection method: clinical testing. Allele origin: germline.

Labcorp Genetics (formerly Invitae), Labcorp
Classification: Uncertain significance for Fanconi anemia complementation group Q; Xeroderma pigmentosum, group F; Cockayne syndrome. Last evaluated: 2024-11-05. Review status: criteria provided, single submitter. Criteria: Invitae Variant Classification Sherloc (09022015). Collection method: clinical testing. Allele origin: germline.
Comment: This sequence change replaces arginine, which is basic and polar, with cysteine, which is neutral and slightly polar, at codon 864 of the ERCC4 protein (p.Arg864Cys). This variant is present in population databases (rs587778284, gnomAD 0.006%). This variant has not been reported in the literature in individuals affected with ERCC4-related conditions. ClinVar contains an entry for this variant (Variation ID: 134139). Invitae Evidence Modeling of protein sequence and biophysical properties (such as structural, functional, and spatial information, amino acid conservation, physicochemical variation, residue mobility, and thermodynamic stability) indicates that this missense variant is expected to disrupt ERCC4 protein function with a positive predictive value of 80%. In summary, the available evidence is currently insufficient to determine the role of this variant in disease. Therefore, it has been classified as a Variant of Uncertain Significance.

ITMI
No classification provided. Condition: AllHighlyPenetrant. Last evaluated: 2013-09-19. Review status: no classification provided. Collection method: reference population. Allele origin: germline. Not counted in ClinVar's aggregate classification.
Comment: Please see associated publication for description of ethnicities

Literature cited by the submitters: PubMed 24728327 (cited by ITMI).

NM_005236.3(ERCC4):c.2590C>T (p.Arg864Cys)

Gene: ERCC4 (ERCC excision repair 4, endonuclease catalytic subunit; plus strand). Cytogenetic location: 16p13.12.
Variant type: single nucleotide variant.
Coding change: c.2590C>T on transcript NM_005236.3 (MANE Select); coding-DNA position 2590, C replaced by T.
Protein change: p.Arg864Cys; replaces arginine 864 with cysteine.
Molecular consequence: missense variant.
Genome position (GRCh38, 1-based): chr16:13,948,186, C>T. VCF-style: chr16-13948186-C-T. GRCh37 (hg19) VCF-style: chr16-14042043-C-T.
Other names: c.2590C>T (NM_005236.2); short protein forms R864C.
Identifiers: ClinVar variation 134139 (VCV000134139.8), dbSNP rs587778284, ClinGen allele CA158879.
Genomic context (GRCh38, chr16:13,948,186, plus strand): 5'-TATAATCCTGGTCCCCAAGACTTCTTGTTAAAAATGCCAGGGGTGAATGCCAAAAACTGC[C>T]GCTCCTTGATGCACCACGTTAAGAACATCGCAGAATTAGCAGCCCTGTCACAAGACGAGC-3'
Protein context (NP_005227.1, residues 854-874): KMPGVNAKNC[Arg864Cys]SLMHHVKNIA